The following is an entry in ClinVar:

NM_000264.5(PTCH1):c.1208A>G (p.Tyr403Cys)

Gene: PTCH1 (patched 1; minus strand). Cytogenetic location: 9q22.32.
Variant type: single nucleotide variant.
Coding change: c.1208A>G on transcript NM_000264.5 (MANE Select); coding-DNA position 1208, A replaced by G.
Protein change: p.Tyr403Cys; replaces tyrosine 403 with cysteine.
Molecular consequence: missense variant. On other transcripts: non-coding transcript variant (1).
Genome position (GRCh38, 1-based): chr9:95,479,007, T>C on the plus strand (A>G on the coding strand, the complement: PTCH1 is on the minus strand). VCF-style: chr9-95479007-T-C. GRCh37 (hg19) VCF-style: chr9-98241289-T-C.
Other names: c.1010A>G, p.Tyr337Cys (NM_001083602.3); c.1205A>G, p.Tyr402Cys (NM_001083603.3); c.755A>G, p.Tyr252Cys (NM_001083604.3, NM_001083605.3, NM_001083606.3 and 1 more transcripts); c.1208A>G, p.Tyr403Cys (NM_001354918.2); short protein forms Y252C, Y337C, Y402C, Y403C.
Identifiers: ClinVar variation 818574 (VCV000818574.13), dbSNP rs1588605278, ClinGen allele CA374119219.

ClinVar aggregate classification (germline): Uncertain significance. Review status: criteria provided, multiple submitters, no conflicts (2 of 4 stars). 2 submissions from 2 submitters: Uncertain significance (2). Last evaluated 2022-10-14.

Conditions:
Hereditary cancer-predisposing syndrome. Also called: Hereditary Cancer Syndrome; Neoplastic Syndromes, Hereditary; Hereditary neoplastic syndrome; Tumor predisposition. Identifiers: Orphanet 140162, MedGen C0027672, MeSH D009386, MONDO:0015356.
Gorlin syndrome. Also called: Nevoid Basal Cell Carcinoma Syndrome; Basal cell nevus syndrome. Identifiers: Orphanet 377, MedGen C0004779, MONDO:0007187.

Submissions (2):

Labcorp Genetics (formerly Invitae), Labcorp
Classification: Uncertain significance for Gorlin syndrome. Last evaluated: 2022-10-14. Review status: criteria provided, single submitter. Criteria: Invitae Variant Classification Sherloc (09022015). Collection method: clinical testing. Allele origin: germline.
Comment: This variant has not been reported in the literature in individuals affected with PTCH1-related conditions. This variant is not present in population databases (gnomAD no frequency). This sequence change replaces tyrosine, which is neutral and polar, with cysteine, which is neutral and slightly polar, at codon 403 of the PTCH1 protein (p.Tyr403Cys). ClinVar contains an entry for this variant (Variation ID: 818574). In summary, the available evidence is currently insufficient to determine the role of this variant in disease. Therefore, it has been classified as a Variant of Uncertain Significance. Advanced modeling of protein sequence and biophysical properties (such as structural, functional, and spatial information, amino acid conservation, physicochemical variation, residue mobility, and thermodynamic stability) performed at Invitae indicates that this missense variant is not expected to disrupt PTCH1 protein function.

Ambry Genetics
Classification: Uncertain significance for Hereditary cancer-predisposing syndrome. Last evaluated: 2019-08-30. Review status: criteria provided, single submitter. Criteria: Ambry Variant Classification Scheme 2023. Collection method: clinical testing. Allele origin: germline.
Comment: The p.Y403C variant (also known as c.1208A>G), located in coding exon 8 of the PTCH1 gene, results from an A to G substitution at nucleotide position 1208. The tyrosine at codon 403 is replaced by cysteine, an amino acid with highly dissimilar properties. This amino acid position is highly conserved in available vertebrate species. In addition, this alteration is predicted to be deleterious by in silico analysis. Since supporting evidence is limited at this time, the clinical significance of this alteration remains unclear.